The following is an entry in ClinVar:

NM_000170.3(GLDC):c.2461A>T (p.Met821Leu)

Gene: GLDC (glycine decarboxylase; minus strand). Cytogenetic location: 9p24.1.
Variant type: single nucleotide variant.
Coding change: c.2461A>T on transcript NM_000170.3 (MANE Select); coding-DNA position 2461, A replaced by T.
Protein change: p.Met821Leu; replaces methionine 821 with leucine.
Molecular consequence: missense variant.
Genome position (GRCh38, 1-based): chr9:6,550,911, T>A on the plus strand (A>T on the coding strand, the complement: GLDC is on the minus strand). VCF-style: chr9-6550911-T-A. GRCh37 (hg19) VCF-style: chr9-6550911-T-A.
Other names: short protein forms M821L.
Identifiers: ClinVar variation 2143248 (VCV002143248.1), dbSNP rs757748163, ClinGen allele CA4980200.

ClinVar aggregate classification (germline): Uncertain significance (1 of 4 stars; one submission).

Conditions:
Glycine encephalopathy. Also called: Non-ketotic hyperglycinemia; Nonketotic hyperglycinemia. Identifiers: Orphanet 407, MedGen C0751748, MONDO:0011612, HP:0008288.

Allele frequency attached by ClinVar (database versions not stated): TOPMed below 0.00001; ExAC 0.00001; gnomAD 0.00001.

Submission:

Labcorp Genetics (formerly Invitae), Labcorp
Classification: Uncertain significance for Glycine encephalopathy. Last evaluated: 2022-06-22. Review status: criteria provided, single submitter. Criteria: Invitae Variant Classification Sherloc (09022015). Collection method: clinical testing. Allele origin: germline.
Comment: This sequence change replaces methionine, which is neutral and non-polar, with leucine, which is neutral and non-polar, at codon 821 of the GLDC protein (p.Met821Leu). This variant is present in population databases (rs757748163, gnomAD 0.003%). This variant has not been reported in the literature in individuals affected with GLDC-related conditions. Advanced modeling of protein sequence and biophysical properties (such as structural, functional, and spatial information, amino acid conservation, physicochemical variation, residue mobility, and thermodynamic stability) performed at Invitae indicates that this missense variant is expected to disrupt GLDC protein function. In summary, the available evidence is currently insufficient to determine the role of this variant in disease. Therefore, it has been classified as a Variant of Uncertain Significance.